The following is an entry in ClinVar:

ClinVar aggregate classification (germline): Uncertain significance (1 of 4 stars; one submission).

Conditions:
Inborn genetic diseases. Identifiers: MedGen C0950123, MeSH D030342.

Submission:

Ambry Genetics
Classification: Uncertain significance for Inborn genetic diseases. Last evaluated: 2022-09-03. Review status: criteria provided, single submitter. Criteria: Ambry Variant Classification Scheme 2023. Collection method: clinical testing. Allele origin: germline.
Comment: The p.W1471C variant (also known as c.4413G>T), located in coding exon 25 of the ATR gene, results from a G to T substitution at nucleotide position 4413. The tryptophan at codon 1471 is replaced by cysteine, an amino acid with highly dissimilar properties. This amino acid position is conserved. In addition, this alteration is predicted to be tolerated by in silico analysis. Since supporting evidence is limited at this time, the clinical significance of this alteration remains unclear.

NM_001184.4(ATR):c.4413G>T (p.Trp1471Cys)

Gene: ATR (ATR checkpoint kinase; minus strand). Cytogenetic location: 3q23.
Variant type: single nucleotide variant.
Coding change: c.4413G>T on transcript NM_001184.4 (MANE Select); coding-DNA position 4413, G replaced by T.
Protein change: p.Trp1471Cys; replaces tryptophan 1471 with cysteine.
Molecular consequence: missense variant.
Genome position (GRCh38, 1-based): chr3:142,515,485, C>A on the plus strand (G>T on the coding strand, the complement: ATR is on the minus strand). VCF-style: chr3-142515485-C-A. GRCh37 (hg19) VCF-style: chr3-142234327-C-A.
Other names: c.4221G>T, p.Trp1407Cys (NM_001354579.2); short protein forms W1471C, W1407C.
Identifiers: ClinVar variation 1740422 (VCV001740422.2), dbSNP rs1296228170, ClinGen allele CA354798613.
Genomic context (GRCh38, chr3:142,515,485, plus strand): 5'-TGACCATTCTGCAAAGTTACTACCCAATTTACTTAAGTAAATTGGCTTCTTTACTCCAGA[C>A]CAATCGGTTGACTTCTGAGAACTCTTGTATCTGTAATTTTGAAAATTTGTTTATTAAAAA-3'
Protein context (NP_001175.2, residues 1461-1481): RYKSSQKSTD[Trp1471Cys]SGVKKPIYLS